The following is an entry in ClinVar:

ClinVar aggregate classification (germline): Likely benign. Review status: criteria provided, multiple submitters, no conflicts (2 of 4 stars). 2 submissions from 2 submitters: Likely benign (2). Last evaluated 2024-09-16.

Conditions:
RASopathy. Also called: Noonan spectrum disorder; rasopathies. Identifiers: Orphanet 536391, MedGen C5555857, MONDO:0021060.

Allele frequency attached by ClinVar (database versions not stated): gnomAD exomes below 0.00001; TOPMed below 0.00001; ExAC 0.00001; gnomAD 0.00001.
gnomAD v4.1: 5 of 1,612,832 alleles (0.00031%); highest among the groups gnomAD compares: Admixed American, 0.0017%; no homozygotes.

Submissions (2):

Labcorp Genetics (formerly Invitae), Labcorp
Classification: Likely benign for RASopathy. Last evaluated: 2024-09-16. Review status: criteria provided, single submitter. Criteria: Invitae Variant Classification Sherloc (09022015). Collection method: clinical testing. Allele origin: germline.

Women's Health and Genetics/Laboratory Corporation of America, LabCorp
Classification: Likely benign. Last evaluated: 2022-12-19. Review status: criteria provided, single submitter. Criteria: LabCorp Variant Classification Summary - May 2015. Collection method: clinical testing. Allele origin: germline.
Comment: Variant summary: SOS1 c.1293T>C alters a non-conserved nucleotide resulting in a synonymous change. 4/4 computational tools predict no significant impact on normal splicing. However, these predictions have yet to be confirmed by functional studies. The variant allele was found at a frequency of 4e-06 in 250746 control chromosomes (gnomAD). The available data on variant occurrences in the general population are insufficient to allow any conclusion about variant significance. To our knowledge, no occurrence of c.1293T>C in individuals affected with Noonan Syndrome and no experimental evidence demonstrating its impact on protein function have been reported. No clinical diagnostic laboratories have submitted clinical-significance assessments for this variant to ClinVar after 2014. Based on the evidence outlined above, the variant was classified as likely benign.

NM_005633.4(SOS1):c.1293T>C (p.Gly431=)

Gene: SOS1 (SOS Ras/Rac guanine nucleotide exchange factor 1; minus strand). Cytogenetic location: 2p22.1.
Variant type: single nucleotide variant.
Coding change: c.1293T>C on transcript NM_005633.4 (MANE Select); coding-DNA position 1293, T replaced by C.
Protein change: p.Gly431=; no amino-acid change (glycine 431 retained).
Molecular consequence: synonymous variant.
Genome position (GRCh38, 1-based): chr2:39,023,135, A>G on the plus strand (T>C on the coding strand, the complement: SOS1 is on the minus strand). VCF-style: chr2-39023135-A-G. GRCh37 (hg19) VCF-style: chr2-39250276-A-G.
Other names: c.1272T>C, p.Gly424= (NM_001382394.1); c.1293T>C, p.Gly431= (NM_001382395.1).
Identifiers: ClinVar variation 1878341 (VCV001878341.3), dbSNP rs781056694, ClinGen allele CA1624607.
Genomic context (GRCh38, chr2:39,023,135, plus strand): 5'-TGTAAGAGTTCCTTCCATTATAAATTCATTACAACACTGTCCAATGTCTTTTCCCTCCCA[A>G]CCATCAATATTCTTCTGAATCTCGTTCATCTTCTTGATTGCTAGTTGTTTCCCCTTCATT-3'
Protein context (NP_005624.2, residues 421-441): KMNEIQKNID[Gly431=]WEGKDIGQCC